The following is an entry in ClinVar:

ClinVar aggregate classification (germline): Uncertain significance. Review status: criteria provided, multiple submitters, no conflicts (2 of 4 stars). 3 submissions from 3 submitters: Uncertain significance (3). Last evaluated 2025-05-02.

Conditions:
APOA5-related disorder. Also called: APOA5-related condition.

Allele frequency attached by ClinVar (database versions not stated): ExAC 0.00005; gnomAD 0.00015; ESP Exome Variant Server 0.00031.
gnomAD v4.1: 29 of 1,613,394 alleles (0.0018%); highest among the groups gnomAD compares: African/African-American, 0.033%; no homozygotes.

Submissions (3):

PreventionGenetics, part of Exact Sciences
Classification: Uncertain significance for APOA5-related condition. Last evaluated: 2025-05-02. Review status: criteria provided, single submitter. Criteria: ACMG Guidelines, 2015. Collection method: clinical testing. Allele origin: germline.
Comment: The APOA5 c.313G>T variant is predicted to result in the amino acid substitution p.Ala105Ser. This variant has been reported in an individual with myocardial infarction (Table S10, Do et al. 2015. PubMed ID: 25487149). This variant has also been reported in a cohort study with hypertriglyceridemia (Table S2, Deshotels et al. 2022. PubMed ID: 36325899). This variant is reported in 0.032% of alleles in individuals of African descent in gnomAD. At this time, the clinical significance of this variant is uncertain due to the absence of conclusive functional and genetic evidence.

Labcorp Genetics (formerly Invitae), Labcorp
Classification: Uncertain significance. Last evaluated: 2025-04-02. Review status: criteria provided, single submitter. Criteria: Invitae Variant Classification Sherloc (09022015). Collection method: clinical testing. Allele origin: germline.
Comment: This sequence change replaces alanine, which is neutral and non-polar, with serine, which is neutral and polar, at codon 105 of the APOA5 protein (p.Ala105Ser). This variant is present in population databases (rs146964666, gnomAD 0.04%). This missense change has been observed in individual(s) with clinical features of APOA5-related conditions (PMID: 25487149, 36325899). ClinVar contains an entry for this variant (Variation ID: 1712551). An algorithm developed to predict the effect of missense changes on protein structure and function (PolyPhen-2) suggests that this variant is likely to be tolerated. In summary, the available evidence is currently insufficient to determine the role of this variant in disease. Therefore, it has been classified as a Variant of Uncertain Significance.

GeneDx
Classification: Uncertain significance. Last evaluated: 2022-04-25. Review status: criteria provided, single submitter. Criteria: GeneDx Variant Classification Process June 2021. Collection method: clinical testing. Allele origin: germline. Affected: yes.
Comment: Identified by whole genome sequencing in one individual with early myocardial infarction (Do et al., 2015); In silico analysis supports that this missense variant does not alter protein structure/function; This variant is associated with the following publications: (PMID: 25487149)

Literature cited by the submitters: PubMed 25487149 (cited by Labcorp Genetics (formerly Invitae), Labcorp); PubMed 36325899 (cited by Labcorp Genetics (formerly Invitae), Labcorp).

NM_001371904.1(APOA5):c.313G>T (p.Ala105Ser)

Gene: APOA5 (apolipoprotein A5; minus strand). Cytogenetic location: 11q23.3.
Variant type: single nucleotide variant.
Coding change: c.313G>T on transcript NM_001371904.1 (MANE Select); coding-DNA position 313, G replaced by T.
Protein change: p.Ala105Ser; replaces alanine 105 with serine.
Molecular consequence: missense variant.
Genome position (GRCh38, 1-based): chr11:116,790,916, C>A on the plus strand (G>T on the coding strand, the complement: APOA5 is on the minus strand). VCF-style: chr11-116790916-C-A. GRCh37 (hg19) VCF-style: chr11-116661632-C-A.
Other names: c.313G>T, p.Ala105Ser (NM_001166598.2, NM_052968.5); short protein forms A105S.
Identifiers: ClinVar variation 1712551 (VCV001712551.6), dbSNP rs146964666, ClinGen allele CA6289095.